The following is an entry in ClinVar:

NM_000414.4(HSD17B4):c.1716T>C (p.Thr572=)

Gene: HSD17B4 (hydroxysteroid 17-beta dehydrogenase 4; plus strand). Cytogenetic location: 5q23.1.
Variant type: single nucleotide variant.
Coding change: c.1716T>C on transcript NM_000414.4 (MANE Select); coding-DNA position 1716, T replaced by C.
Protein change: p.Thr572=; no amino-acid change (threonine 572 retained).
Molecular consequence: synonymous variant. On other transcripts: non-coding transcript variant (2).
Genome position (GRCh38, 1-based): chr5:119,527,168, T>C. VCF-style: chr5-119527168-T-C. GRCh37 (hg19) VCF-style: chr5-118862863-T-C.
Other names: c.1791T>C, p.Thr597= (NM_001199291.3); c.1662T>C, p.Thr554= (NM_001199292.2); c.1644T>C, p.Thr548= (NM_001292027.2, NM_001374498.1); c.1296T>C, p.Thr432= (NM_001292028.2); c.1707T>C, p.Thr569= (NM_001374497.1); c.1389T>C, p.Thr463= (NM_001374499.1); c.1275T>C, p.Thr425= (NM_001374500.1); c.1305T>C, p.Thr435= (NM_001374501.1, NM_001374502.1, NM_001374503.1); and 1 more.
Identifiers: ClinVar variation 1082884 (VCV001082884.10), dbSNP rs756875057, ClinGen allele CA3382373.

ClinVar aggregate classification (germline): Likely benign. Review status: criteria provided, multiple submitters, no conflicts (2 of 4 stars). 2 submissions from 2 submitters: Likely benign (2). Last evaluated 2025-06-18.

Conditions:
HSD17B4-related disorder. Also called: HSD17B4-related condition; HSD17B4-related disorders.
Perrault syndrome. Also called: Gonadal dysgenesis with auditory dysfunction, autosomal recessive inheritance. Identifiers: Orphanet 2855, MedGen C0685838, MONDO:0017312.
Bifunctional peroxisomal enzyme deficiency (DBIF). Also called: DBP DEFICIENCY; D-bifunctional protein deficiency; PBFE DEFICIENCY. Identifiers: Orphanet 300, MedGen C0342870, MONDO:0009855, OMIM 261515. Disease mechanism: loss of function.

Allele frequency attached by ClinVar (database versions not stated): ExAC 0.00001; gnomAD 0.00001; gnomAD exomes 0.00001 and 0.00002.
gnomAD v4.1: 7 of 1,610,368 alleles (0.00043%); highest among the groups gnomAD compares: Admixed American, 0.012%; no homozygotes.

Submissions (2):

PreventionGenetics, part of Exact Sciences
Classification: Likely benign for HSD17B4-related condition. Last evaluated: 2025-06-18. Review status: criteria provided, single submitter. Criteria: ACMG Guidelines, 2015. Collection method: clinical testing. Allele origin: germline.
Comment: This variant is classified as likely benign based on ACMG/AMP sequence variant interpretation guidelines (Richards et al. 2015 PMID: 25741868, with internal and published modifications).

Labcorp Genetics (formerly Invitae), Labcorp
Classification: Likely benign for Perrault syndrome; Bifunctional peroxisomal enzyme deficiency. Last evaluated: 2023-11-06. Review status: criteria provided, single submitter. Criteria: Invitae Variant Classification Sherloc (09022015). Collection method: clinical testing. Allele origin: germline.